The following is an entry in ClinVar:

ClinVar aggregate classification (germline): Uncertain significance. Review status: criteria provided, single submitter (1 of 4 stars). 2 submissions from 1 submitter: Uncertain significance (1). 1 of the submissions does not count toward it. Last evaluated 2022-08-22.

Conditions:
3-methylglutaconic aciduria type 1 (MGCA1). Identifiers: Orphanet 67046, MedGen C0342727, MONDO:0009610, OMIM 250950.

Submissions (2):

Labcorp Genetics (formerly Invitae), Labcorp
Classification: Uncertain significance. Last evaluated: 2022-08-22. Review status: criteria provided, single submitter. Criteria: Invitae Variant Classification Sherloc (09022015). Collection method: clinical testing. Allele origin: germline.
Comment: This variant results in a copy number gain of the genomic region encompassing exon(s) 2-9 of the ROR2 gene. This region includes the termination codon of the gene. This copy number gain extends beyond the assayed region for this gene and therefore may encompass additional genes. As the precise location of this event is unknown, it may be in tandem or it may be located elsewhere in the genome. This variant has not been reported in the literature in individuals affected with ROR2-related conditions. Experimental studies and prediction algorithms are not available or were not evaluated, and the functional significance of this variant is currently unknown. In summary, the available evidence is currently insufficient to determine the role of this variant in disease. Therefore, it has been classified as a Variant of Uncertain Significance.

Labcorp Genetics (formerly Invitae), Labcorp
Classification: Uncertain significance for 3-methylglutaconic aciduria type 1. Last evaluated: 2022-08-22. Review status: flagged submission. Criteria: Invitae Variant Classification Sherloc (09022015). Collection method: clinical testing. Allele origin: germline. Not counted in ClinVar's aggregate classification.
Comment: This variant results in a copy number gain of the genomic region encompassing exon(s) 1-6 of the AUH gene. This region includes the initiator codon of the gene. This copy number gain extends beyond the assayed region for this gene and therefore may encompass additional genes. As the precise location of this event is unknown, it may be in tandem or it may be located elsewhere in the genome. This variant has not been reported in the literature in individuals affected with AUH-related conditions. In summary, the available evidence is currently insufficient to determine the role of this variant in disease. Therefore, it has been classified as a Variant of Uncertain Significance.
ClinVar note: Reason: This record appears to be redundant with a more recent record from the same submitter.
ClinVar note: Notes: SCV003793634 appears to be redundant with SCV003793791.

NC_000009.11:g.(?_94058283)_(94538120_?)dup

Genes: AUH (AU RNA binding methylglutaconyl-CoA hydratase; minus strand), NFIL3 (nuclear factor, interleukin 3 regulated; minus strand), ROR2 (ROR family WNT receptor 2; minus strand). Cytogenetic location: 9q22.31.
Variant type: Duplication.
Identifiers: ClinVar variation 2424218 (VCV002424218.3).